The following is an entry in ClinVar:

ClinVar aggregate classification (germline): Uncertain significance. Review status: criteria provided, multiple submitters, no conflicts (2 of 4 stars). 4 submissions from 4 submitters: Uncertain significance (4). Last evaluated 2025-11-19.

Conditions:
INPP5E-related disorder. Also called: INPP5E-related condition.
Inborn genetic diseases. Identifiers: MedGen C0950123, MeSH D030342.
MORM syndrome (MORMS). Identifiers: Orphanet 75858, MedGen C1857802, MONDO:0012423, OMIM 610156.
Joubert syndrome 1 (JBTS1). Also called: Cerebellooculorenal syndrome 1; CEREBELLOPARENCHYMAL DISORDER IV. Identifiers: MedGen C4551568, MONDO:0008944, OMIM 213300.
Joubert syndrome. Also called: Familial aplasia of the vermis; JOUBERT-BOLTSHAUSER SYNDROME. Identifiers: Orphanet 475, MedGen C5979921, MONDO:0018772.

gnomAD v4.1: 5 of 1,606,416 alleles (0.00031%); highest among the groups gnomAD compares: Admixed American, 0.0017%; no homozygotes.

Submissions (4):

PreventionGenetics, part of Exact Sciences
Classification: Uncertain significance for INPP5E-related condition. Last evaluated: 2025-11-19. Review status: criteria provided, single submitter. Criteria: ACMG Guidelines, 2015. Collection method: clinical testing. Allele origin: germline.
Comment: The INPP5E c.1535G>T variant is predicted to result in the amino acid substitution p.Arg512Leu. To our knowledge, this variant has not been reported in the literature. This variant is reported in 0.0% of alleles in individuals of African descent in gnomAD. At this time, the clinical significance of this variant is uncertain due to the absence of conclusive functional and genetic evidence.

Fulgent Genetics
Classification: Uncertain significance for Joubert syndrome 1; MORM syndrome. Last evaluated: 2024-06-18. Review status: criteria provided, single submitter. Criteria: ACMG Guidelines, 2015. Collection method: clinical testing. Allele origin: germline.

Ambry Genetics
Classification: Uncertain significance for Inborn genetic diseases. Last evaluated: 2023-10-30. Review status: criteria provided, single submitter. Criteria: Ambry Variant Classification Scheme 2023. Collection method: clinical testing. Allele origin: germline.

Labcorp Genetics (formerly Invitae), Labcorp
Classification: Uncertain significance for Joubert syndrome. Last evaluated: 2021-08-27. Review status: criteria provided, single submitter. Criteria: Invitae Variant Classification Sherloc (09022015). Collection method: clinical testing. Allele origin: germline.
Comment: This sequence change replaces arginine with leucine at codon 512 of the INPP5E protein (p.Arg512Leu). The arginine residue is moderately conserved and there is a moderate physicochemical difference between arginine and leucine. This variant is not present in population databases (ExAC no frequency). This variant has not been reported in the literature in individuals affected with INPP5E-related conditions. Advanced modeling of protein sequence and biophysical properties (such as structural, functional, and spatial information, amino acid conservation, physicochemical variation, residue mobility, and thermodynamic stability) performed at Invitae indicates that this missense variant is not expected to disrupt INPP5E protein function. In summary, the available evidence is currently insufficient to determine the role of this variant in disease. Therefore, it has been classified as a Variant of Uncertain Significance.

NM_019892.6(INPP5E):c.1535G>T (p.Arg512Leu)

Gene: INPP5E (inositol polyphosphate-5-phosphatase E; minus strand). Cytogenetic location: 9q34.3.
Variant type: single nucleotide variant.
Coding change: c.1535G>T on transcript NM_019892.6 (MANE Select); coding-DNA position 1535, G replaced by T.
Protein change: p.Arg512Leu; replaces arginine 512 with leucine.
Molecular consequence: missense variant.
Genome position (GRCh38, 1-based): chr9:136,431,838, C>A on the plus strand (G>T on the coding strand, the complement: INPP5E is on the minus strand). VCF-style: chr9-136431838-C-A. GRCh37 (hg19) VCF-style: chr9-139326290-C-A.
Other names: c.1532G>T, p.Arg511Leu (NM_001318502.2); c.1535G>T (NM_019892.5, NM_019892.4); short protein forms R511L, R512L.
Identifiers: ClinVar variation 1362988 (VCV001362988.8), dbSNP rs750777734, ClinGen allele CA375562076.
Genomic context (GRCh38, chr9:136,431,838, plus strand): 5'-TCACCTCTCCTCATCTCCCTCCATGCCCGCCCCCCCAGGCCCTCACCTTTCCGCATCTCC[C>A]GGATGAGCTGGTCGTGCTGCAGCAGCGCCGGCACGTCCACCACCAGGCCCTGGCACAGGA-3'
Protein context (NP_063945.2, residues 502-522): PALLQHDQLI[Arg512Leu]EMRKGSIFKG